The following is an entry in ClinVar:

ClinVar aggregate classification (germline): Uncertain significance (1 of 4 stars; one submission).

Allele frequency attached by ClinVar (database versions not stated): gnomAD exomes below 0.00001; ExAC 0.00001.
gnomAD v4.1: 2 of 1,613,888 alleles (0.00012%); highest among the groups gnomAD compares: Admixed American, 0.0017%; no homozygotes.

Submission:

Labcorp Genetics (formerly Invitae), Labcorp
Classification: Uncertain significance. Last evaluated: 2023-08-30. Review status: criteria provided, single submitter. Criteria: Invitae Variant Classification Sherloc (09022015). Collection method: clinical testing. Allele origin: germline.
Comment: This variant has not been reported in the literature in individuals affected with DNAH9-related conditions. Advanced modeling of protein sequence and biophysical properties (such as structural, functional, and spatial information, amino acid conservation, physicochemical variation, residue mobility, and thermodynamic stability) performed at Invitae indicates that this missense variant is not expected to disrupt DNAH9 protein function. This sequence change replaces proline, which is neutral and non-polar, with leucine, which is neutral and non-polar, at codon 1184 of the DNAH9 protein (p.Pro1184Leu). This variant is present in population databases (rs749839379, gnomAD 0.003%). In summary, the available evidence is currently insufficient to determine the role of this variant in disease. Therefore, it has been classified as a Variant of Uncertain Significance.

NM_001372.4(DNAH9):c.3551C>T (p.Pro1184Leu)

Gene: DNAH9 (dynein axonemal heavy chain 9; plus strand). Cytogenetic location: 17p12.
Variant type: single nucleotide variant.
Coding change: c.3551C>T on transcript NM_001372.4 (MANE Select); coding-DNA position 3551, C replaced by T.
Protein change: p.Pro1184Leu; replaces proline 1184 with leucine.
Molecular consequence: missense variant.
Genome position (GRCh38, 1-based): chr17:11,679,954, C>T. VCF-style: chr17-11679954-C-T. GRCh37 (hg19) VCF-style: chr17-11583271-C-T.
Other names: short protein forms P1184L.
Identifiers: ClinVar variation 3011189 (VCV003011189.3), dbSNP rs749839379, ClinGen allele CA8395473.